The following is an entry in ClinVar:

ClinVar aggregate classification (germline): Conflicting classifications of pathogenicity. Review status: criteria provided, conflicting classifications (1 of 4 stars). 4 submissions from 4 submitters: Pathogenic (1); Likely pathogenic (2); Uncertain significance (1). Last evaluated 2025-09-10.

Conditions:
Joubert syndrome 18 (JBTS18). Identifiers: Orphanet 2754, MedGen C3553758, MONDO:0013896, OMIM 614815.
Orofacial-digital syndrome IV (OFD4). Also called: MOHR-MAJEWSKI SYNDROME; Orofaciodigital syndrome IV; OFD SYNDROME WITH TIBIAL DEFECTS; OFD SYNDROME, BARAITSER-BURN TYPE; OFDS IV; ORAL-FACIAL-DIGITAL SYNDROME, TYPE IV. Identifiers: Orphanet 2753, MedGen C0406727, MONDO:0009794, OMIM 258860.
Joubert syndrome and related disorders. Identifiers: Orphanet 140874, MedGen C5679612, MONDO:0015369.

Allele frequency attached by ClinVar (database versions not stated): gnomAD exomes 0.00001 and 0.00002; ExAC 0.00002; gnomAD 0.00003 and 0.00004; TOPMed 0.00003.

Submissions (4):

Labcorp Genetics (formerly Invitae), Labcorp
Classification: Pathogenic for Joubert syndrome 18; Orofacial-digital syndrome IV. Last evaluated: 2025-09-10. Review status: criteria provided, single submitter. Criteria: Invitae Variant Classification Sherloc (09022015). Collection method: clinical testing. Allele origin: germline.
Comment: This sequence change is expected to alter the c-terminus of the TCTN3 protein (p.Gly508Argfs*106). While this is not anticipated to result in nonsense mediated decay, it is expected to disrupt the last 100 amino acid(s) of the TCTN3 protein and extend the protein by 5 additional amino acid residues. This variant is present in population databases (rs755903123, gnomAD 0.002%). This variant has not been reported in the literature in individuals affected with TCTN3-related conditions. ClinVar contains an entry for this variant (Variation ID: 1439041). This variant results in an extension of the TCTN3 protein. Other variant(s) that result in a similarly extended protein product (p.Asn512Valfs*103) have been determined to be pathogenic (internal data). This suggests that these extensions are likely to be disease-causing. For these reasons, this variant has been classified as Pathogenic.

Women's Health and Genetics/Laboratory Corporation of America, LabCorp
Classification: Likely pathogenic for Joubert syndrome and related disorders. Last evaluated: 2025-06-23. Review status: criteria provided, single submitter. Criteria: LabCorp Variant Classification Summary - May 2015. Collection method: clinical testing. Allele origin: germline.
Comment: Variant summary: TCTN3 c.1520dupT (p.Gly508ArgfsX106) causes a frameshift which results in an extension of the protein. The variant allele was found at a frequency of 8e-06 in 251464 control chromosomes. To our knowledge, no occurrence of c.1520dupT in individuals affected with Joubert Syndrome And Related Disorders and no experimental evidence demonstrating its impact on protein function have been reported. ClinVar contains an entry for this variant (Variation ID: 1439041). Based on the evidence outlined above, the variant was classified as likely pathogenic.

Blueprint Genetics
Classification: Uncertain significance. Last evaluated: 2024-05-08. Review status: criteria provided, single submitter. Criteria: ACMG Guidelines, 2015. Collection method: clinical testing. Allele origin: germline.

Fulgent Genetics
Classification: Likely pathogenic for Orofacial-digital syndrome IV; Joubert syndrome 18. Last evaluated: 2024-04-30. Review status: criteria provided, single submitter. Criteria: ACMG Guidelines, 2015. Collection method: clinical testing. Allele origin: germline.

NM_015631.6(TCTN3):c.1520dup (p.Gly508fs)

Gene: TCTN3 (tectonic family member 3; minus strand). Cytogenetic location: 10q24.1.
Variant type: Duplication.
Coding change: c.1520dup on transcript NM_015631.6 (MANE Select); coding-DNA position 1520, one base duplicated (T; older notation c.1520dupT).
Protein change: p.Gly508fs; shifts the reading frame from glycine 508.
Molecular consequence: frameshift variant.
Genome position (GRCh38, 1-based): chr10:95,680,542, A duplicated on the plus strand (T on the coding strand, the reverse complement: TCTN3 is on the minus strand). VCF-style (leftmost placement, unchanged base first): chr10-95680541-T-TA. GRCh37 (hg19) VCF-style: chr10-97440298-T-TA.
Other names: c.1520dupT (NM_015631.6); c.1076dup, p.Gly360fs (NM_001143973.2); short protein forms G360fs, G508fs.
Identifiers: ClinVar variation 1439041 (VCV001439041.9), dbSNP rs755903123, ClinGen allele CA5620807.